The following is an entry in ClinVar:

ClinVar aggregate classification (germline): Conflicting classifications of pathogenicity. Review status: criteria provided, conflicting classifications (1 of 4 stars). 6 submissions from 6 submitters: Uncertain significance (1); Likely benign (4). 1 of the submissions does not count toward it. Last evaluated 2023-11-10.

Conditions:
Hereditary cancer-predisposing syndrome. Also called: Neoplastic Syndromes, Hereditary; Hereditary Cancer Syndrome; Hereditary neoplastic syndrome; Tumor predisposition. Identifiers: Orphanet 140162, MedGen C0027672, MeSH D009386, MONDO:0015356.
Hereditary breast ovarian cancer syndrome. Also called: Hereditary breast and ovarian cancer syndrome (HBOC); Hereditary breast and ovarian cancer syndrome; Breast and ovarian cancer; Hereditary breast and/or ovarian cancer syndrome; Hereditary breast and ovarian cancer; BRCA1- and BRCA2-Associated Hereditary Breast and Ovarian Cancer. Identifiers: Orphanet 145, MedGen C0677776, MeSH D061325, MONDO:0003582. Disease mechanism: loss of function.

Allele frequency attached by ClinVar (database versions not stated): TOPMed 0.00001.

Submissions (6):

Ambry Genetics
Classification: Likely benign for Hereditary cancer-predisposing syndrome. Last evaluated: 2023-11-10. Review status: criteria provided, single submitter. Criteria: Ambry Variant Classification Scheme 2023. Collection method: clinical testing. Allele origin: germline.

Labcorp Genetics (formerly Invitae), Labcorp
Classification: Likely benign for Hereditary breast ovarian cancer syndrome. Last evaluated: 2023-03-26. Review status: criteria provided, single submitter. Criteria: Invitae Variant Classification Sherloc (09022015). Collection method: clinical testing. Allele origin: germline.

Women's Health and Genetics/Laboratory Corporation of America, LabCorp
Classification: Likely benign. Last evaluated: 2022-07-25. Review status: criteria provided, single submitter. Criteria: LabCorp Variant Classification Summary - May 2015. Collection method: clinical testing. Allele origin: germline.

Quest Diagnostics Nichols Institute San Juan Capistrano
Classification: Uncertain significance. Last evaluated: 2021-08-13. Review status: criteria provided, single submitter. Criteria: Quest Diagnostics criteria. Collection method: clinical testing. Allele origin: unknown.

Color Diagnostics, LLC DBA Color Health
Classification: Likely benign for Hereditary cancer-predisposing syndrome. Last evaluated: 2020-03-02. Review status: criteria provided, single submitter. Criteria: ACMG Guidelines, 2015. Collection method: clinical testing. Allele origin: germline.

Department of Pathology and Laboratory Medicine, Sinai Health System
Classification: Uncertain significance. Review status: no assertion criteria provided. Collection method: clinical testing. Allele origin: unknown. Affected: yes. Study: The Canadian Open Genetics Repository (COGR). Not counted in ClinVar's aggregate classification.
Comment: The BRCA2 p.Asp1540= variant was identified in the literature to be localized in the BRC4 (functional repeat motif) domain, but does not contribute to the interaction with RAD51 protein in homologous DNA recombination (HDR) (Rajendra 2010). The variant was identified in the dbSNP (ID rs1555283875) and ClinVar (classified likely benign by Invitae). The variant was not identified in LOVD 3.0 and UMD-LSDB databases. The variant was also not identified in the following control databases: the Exome Aggregation Consortium (August 8th 2016), or the Genome Aggregation Database (Feb 27, 2017). The p.Asp1540= variant is not expected to have clinical significance because it does not result in a change of amino acid and is not located in a known consensus splice site. In addition, in silico or computational prediction software programs (SpliceSiteFinder, MaxEntScan, NNSPLICE, GeneSplicer) do not predict a difference in splicing. In summary, based on the above information the clinical significance of this variant cannot be determined with certainty at this time. This variant is classified as a variant of uncertain significance.

NM_000059.4(BRCA2):c.4620C>T (p.Asp1540=)

Gene: BRCA2 (BRCA2 DNA repair associated; plus strand). Cytogenetic location: 13q13.1.
Variant type: single nucleotide variant.
Coding change: c.4620C>T on transcript NM_000059.4 (MANE Select); coding-DNA position 4620, C replaced by T.
Protein change: p.Asp1540=; no amino-acid change (aspartic acid 1540 retained).
Molecular consequence: synonymous variant.
Genome position (GRCh38, 1-based): chr13:32,338,975, C>T. VCF-style: chr13-32338975-C-T. GRCh37 (hg19) VCF-style: chr13-32913112-C-T.
Identifiers: ClinVar variation 462352 (VCV000462352.17), dbSNP rs1555283875, ClinGen allele CA483438074.
Genomic context (GRCh38, chr13:32,338,975, plus strand): 5'-TCTATTGGGTTTTCATACAGCTAGCGGGAAAAAAGTTAAAATTGCAAAGGAATCTTTGGA[C>T]AAAGTGAAAAACCTTTTTGATGAAAAAGAGCAAGGTACTAGTGAAATCACCAGTTTTAGC-3'
Protein context (NP_000050.3, residues 1530-1550): KKVKIAKESL[Asp1540=]KVKNLFDEKE